The following is an entry in ClinVar:

NM_016343.4(CENPF):c.5299G>A (p.Glu1767Lys)

Gene: CENPF (centromere protein F; plus strand). Cytogenetic location: 1q41.
Variant type: single nucleotide variant.
Coding change: c.5299G>A on transcript NM_016343.4 (MANE Select); coding-DNA position 5299, G replaced by A.
Protein change: p.Glu1767Lys; replaces glutamic acid 1767 with lysine.
Molecular consequence: missense variant.
Genome position (GRCh38, 1-based): chr1:214,644,869, G>A. VCF-style: chr1-214644869-G-A. GRCh37 (hg19) VCF-style: chr1-214818212-G-A.
Other names: short protein forms E1767K.
Identifiers: ClinVar variation 2633177 (VCV002633177.1), dbSNP rs186165747, ClinGen allele CA1390766.

ClinVar aggregate classification (germline): Uncertain significance (1 of 4 stars; one submission).

Conditions:
CENPF-related disorder. Also called: CENPF-related condition.

Allele frequency attached by ClinVar (database versions not stated): gnomAD exomes below 0.00001; TOPMed below 0.00001; ExAC 0.00001; gnomAD 0.00001.
gnomAD v4.1: 3 of 1,613,922 alleles (0.00019%); highest among the groups gnomAD compares: African/African-American, 0.004%; no homozygotes.

Submission:

PreventionGenetics, part of Exact Sciences
Classification: Uncertain significance for CENPF-related condition. Last evaluated: 2023-05-11. Review status: criteria provided, single submitter. Criteria: ACMG Guidelines, 2015. Collection method: clinical testing. Allele origin: germline.
Comment: The CENPF c.5299G>A variant is predicted to result in the amino acid substitution p.Glu1767Lys. To our knowledge, this variant has not been reported in the literature. This variant is reported in 0.011% of alleles in individuals of African descent in gnomAD. At this time, the clinical significance of this variant is uncertain due to the absence of conclusive functional and genetic evidence.